The following is an entry in ClinVar:

NM_004655.4(AXIN2):c.1368C>T (p.Gly456=)

Gene: AXIN2 (axin 2; minus strand). Cytogenetic location: 17q24.1.
Variant type: single nucleotide variant.
Coding change: c.1368C>T on transcript NM_004655.4 (MANE Select); coding-DNA position 1368, C replaced by T.
Protein change: p.Gly456=; no amino-acid change (glycine 456 retained).
Molecular consequence: synonymous variant.
Genome position (GRCh38, 1-based): chr17:65,537,668, G>A on the plus strand (C>T on the coding strand, the complement: AXIN2 is on the minus strand). VCF-style: chr17-65537668-G-A. GRCh37 (hg19) VCF-style: chr17-63533786-G-A.
Other names: c.1368C>T (LRG_296t1); c.1368C>T, p.Gly456= (NM_001363813.1).
Identifiers: ClinVar variation 415211 (VCV000415211.19), dbSNP rs372841853, ClinGen allele CA8718671.

ClinVar aggregate classification (germline): Benign/Likely benign. Review status: criteria provided, multiple submitters, no conflicts (2 of 4 stars). 7 submissions from 7 submitters: Benign (2); Likely benign (5). Last evaluated 2026-06-10.

Conditions:
AXIN2-related disorder.
Hereditary cancer-predisposing syndrome. Also called: Hereditary Cancer Syndrome; Tumor predisposition; Hereditary neoplastic syndrome; Neoplastic Syndromes, Hereditary. Identifiers: Orphanet 140162, MedGen C0027672, MeSH D009386, MONDO:0015356.
Oligodontia-cancer predisposition syndrome. Also called: TOOTH AGENESIS-COLORECTAL CANCER SYNDROME. Identifiers: Orphanet 300576, MedGen C1837750, MONDO:0012075, OMIM 608615. Disease mechanism: loss of function.

Allele frequency attached by ClinVar (database versions not stated): gnomAD 0.00021; TOPMed 0.00025; 1000 Genomes Project 30x 0.00047; ESP Exome Variant Server 0.00047; gnomAD exomes 0.00003 and 0.00008; ExAC 0.00021.
gnomAD v4.1: 74 of 1,562,026 alleles (0.0047%); highest among the groups gnomAD compares: African/African-American, 0.072%; no homozygotes.

Submissions (7):

PreventionGenetics, part of Exact Sciences
Classification: Likely benign for AXIN2-related condition. Last evaluated: 2026-06-10. Review status: criteria provided, single submitter. Criteria: ACMG Guidelines, 2015. Collection method: clinical testing. Allele origin: germline.
Comment: This variant is classified as likely benign based on ACMG/AMP sequence variant interpretation guidelines (Richards et al. 2015 PMID: 25741868, with internal and published modifications).

Labcorp Genetics (formerly Invitae), Labcorp
Classification: Likely benign for Oligodontia-cancer predisposition syndrome. Last evaluated: 2026-01-27. Review status: criteria provided, single submitter. Criteria: Invitae Variant Classification Sherloc (09022015). Collection method: clinical testing. Allele origin: germline.

Myriad Genetics, Inc.
Classification: Benign for Oligodontia-cancer predisposition syndrome. Last evaluated: 2024-07-02. Review status: criteria provided, single submitter. Criteria: Myriad Autosomal Dominant, Autosomal Recessive and X-Linked Classification Criteria (2023). Collection method: clinical testing. Allele origin: unknown.
Comment: This variant is considered benign. This variant is a silent/synonymous amino acid change and it is not expected to impact splicing.

Quest Diagnostics Nichols Institute San Juan Capistrano
Classification: Benign. Last evaluated: 2023-03-10. Review status: criteria provided, single submitter. Criteria: Quest Diagnostics criteria. Collection method: clinical testing. Allele origin: unknown.

Sema4
Classification: Likely benign for Hereditary cancer-predisposing syndrome. Last evaluated: 2021-12-27. Review status: criteria provided, single submitter. Criteria: Sema4 Curation Guidelines. Collection method: curation. Allele origin: germline.

GeneDx
Classification: Likely benign. Last evaluated: 2021-05-13. Review status: criteria provided, single submitter. Criteria: GeneDx Variant Classification Process June 2021. Collection method: clinical testing. Allele origin: germline. Affected: yes.

Ambry Genetics
Classification: Likely benign for Hereditary cancer-predisposing syndrome. Last evaluated: 2020-04-21. Review status: criteria provided, single submitter. Criteria: Ambry Variant Classification Scheme 2023. Collection method: clinical testing. Allele origin: germline.